The following is an entry in ClinVar:

ClinVar aggregate classification (germline): Uncertain significance (1 of 4 stars; one submission).

Allele frequency attached by ClinVar (database versions not stated): gnomAD exomes below 0.00001 and 0.00001; ExAC 0.00001; gnomAD 0.00001.
gnomAD v4.1: 5 of 1,614,010 alleles (0.00031%); highest among the groups gnomAD compares: Admixed American, 0.0017%; no homozygotes.

Submission:

GeneDx
Classification: Uncertain significance. Last evaluated: 2021-04-12. Review status: criteria provided, single submitter. Criteria: GeneDx Variant Classification Process June 2021. Collection method: clinical testing. Allele origin: germline. Affected: yes.
Comment: Not observed at a significant frequency in large population cohorts (Lek et al., 2016); In silico analysis supports that this missense variant does not alter protein structure/function; Has not been previously published as pathogenic or benign to our knowledge

NM_203447.4(DOCK8):c.930C>G (p.Asp310Glu)

Gene: DOCK8 (dedicator of cytokinesis 8; plus strand). Cytogenetic location: 9p24.3.
Variant type: single nucleotide variant.
Coding change: c.930C>G on transcript NM_203447.4 (MANE Select); coding-DNA position 930, C replaced by G.
Protein change: p.Asp310Glu; replaces aspartic acid 310 with glutamic acid.
Molecular consequence: missense variant.
Genome position (GRCh38, 1-based): chr9:328,057, C>G. VCF-style: chr9-328057-C-G. GRCh37 (hg19) VCF-style: chr9-328057-C-G.
Other names: c.726C>G, p.Asp242Glu (NM_001190458.2, NM_001193536.2); short protein forms D242E, D310E.
Identifiers: ClinVar variation 1314532 (VCV001314532.2), dbSNP rs770327895, ClinGen allele CA4957536.